The following is an entry in ClinVar:

ClinVar aggregate classification (germline): Conflicting classifications of pathogenicity. Review status: criteria provided, conflicting classifications (1 of 4 stars). 2 submissions from 2 submitters: Uncertain significance (1); Likely benign (1). Last evaluated 2025-10-19.

Conditions:
Hereditary cancer-predisposing syndrome. Also called: Neoplastic Syndromes, Hereditary; Tumor predisposition; Hereditary Cancer Syndrome; Hereditary neoplastic syndrome. Identifiers: Orphanet 140162, MedGen C0027672, MeSH D009386, MONDO:0015356.
Carney complex, type 1 (CNC1). Also called: CARNEY MYXOMA-ENDOCRINE COMPLEX; CARNEY COMPLEX, TYPE I. Identifiers: Orphanet 1359, MedGen C2607929, MONDO:0008057, OMIM 160980.

Allele frequency attached by ClinVar (database versions not stated): gnomAD exomes below 0.00001.
gnomAD v4.1: 1 of 1,613,038 alleles (0.000062%); highest among the groups gnomAD compares: Non-Finnish European, 0.000085%; no homozygotes.

Submissions (2):

Labcorp Genetics (formerly Invitae), Labcorp
Classification: Uncertain significance for Carney complex, type 1. Last evaluated: 2025-10-19. Review status: criteria provided, single submitter. Criteria: Invitae Variant Classification Sherloc (09022015). Collection method: clinical testing. Allele origin: germline.
Comment: This sequence change affects codon 324 of the PRKAR1A mRNA. It is a 'silent' change, meaning that it does not change the encoded amino acid sequence of the PRKAR1A protein. It affects a nucleotide within the consensus splice site. This variant is not present in population databases (gnomAD no frequency). This variant has not been reported in the literature in individuals affected with PRKAR1A-related conditions. ClinVar contains an entry for this variant (Variation ID: 652288). Algorithms developed to predict the effect of sequence changes on RNA splicing suggest that this variant is not likely to affect RNA splicing. In summary, the available evidence is currently insufficient to determine the role of this variant in disease. Therefore, it has been classified as a Variant of Uncertain Significance.

Ambry Genetics
Classification: Likely benign for Hereditary cancer-predisposing syndrome. Last evaluated: 2023-08-26. Review status: criteria provided, single submitter. Criteria: Ambry Variant Classification Scheme 2023. Collection method: clinical testing. Allele origin: germline.

NM_002734.5(PRKAR1A):c.972T>C (p.Phe324=)

Gene: PRKAR1A (protein kinase cAMP-dependent type I regulatory subunit alpha; plus strand). Cytogenetic location: 17q24.2.
Variant type: single nucleotide variant.
Coding change: c.972T>C on transcript NM_002734.5 (MANE Select); coding-DNA position 972, T replaced by C.
Protein change: p.Phe324=; no amino-acid change (phenylalanine 324 retained).
Molecular consequence: synonymous variant.
Genome position (GRCh38, 1-based): chr17:68,530,000, T>C. VCF-style: chr17-68530000-T-C. GRCh37 (hg19) VCF-style: chr17-66526141-T-C.
Other names: c.972T>C (NM_002734.3); c.972T>C, p.Phe324= (NM_001276289.2, NM_001276290.1, NM_001278433.2 and 4 more transcripts).
Identifiers: ClinVar variation 652288 (VCV000652288.10), dbSNP rs889274189, ClinGen allele CA293294272.